The following is an entry in ClinVar:

ClinVar aggregate classification (germline): Benign/Likely benign. Review status: criteria provided, multiple submitters, no conflicts (2 of 4 stars). 11 submissions from 11 submitters: Benign (7); Likely benign (3). 1 of the submissions does not count toward it. Last evaluated 2026-04-06.

Conditions:
Cohen syndrome (COH1). Also called: Cutis verticis gyrata, retinitis pigmentosa, and sensorineural deafness; PEPPER SYNDROME. Identifiers: Orphanet 193, MedGen C0265223, MONDO:0008999, OMIM 216550.
Inborn genetic diseases. Identifiers: MedGen C0950123, MeSH D030342.

Allele frequency attached by ClinVar (database versions not stated): gnomAD exomes 0.00034 and 0.00095; ExAC 0.00119; 1000 Genomes Project 0.00339; gnomAD 0.00355 and 0.00377; TOPMed 0.00389; 1000 Genomes Project 30x 0.00390; ESP Exome Variant Server 0.00492.
gnomAD v4.1: 1,057 of 1,613,934 alleles (0.065%); highest among the groups gnomAD compares: African/African-American, 1.3%; 6 homozygotes.

Submissions (11):

Women's Health and Genetics/Laboratory Corporation of America, LabCorp
Classification: Likely benign. Last evaluated: 2026-04-06. Review status: criteria provided, single submitter. Criteria: LabCorp Variant Classification Summary - May 2015. Collection method: clinical testing. Allele origin: germline.

CeGaT Center for Human Genetics Tuebingen
Classification: Likely benign. Last evaluated: 2026-03-01. Review status: criteria provided, single submitter. Criteria: CeGaT Center For Human Genetics Tuebingen Variant Classification Criteria Version 2. Collection method: clinical testing. Allele origin: germline. Affected: yes. Observed: 3 variant alleles.
Comment: VPS13B: BP4, BP7, BS1

Labcorp Genetics (formerly Invitae), Labcorp
Classification: Benign for Cohen syndrome. Last evaluated: 2026-02-02. Review status: criteria provided, single submitter. Criteria: Invitae Variant Classification Sherloc (09022015). Collection method: clinical testing. Allele origin: germline.

Mayo Clinic Laboratories, Mayo Clinic
Classification: Benign. Last evaluated: 2024-12-02. Review status: criteria provided, single submitter. Criteria: ACMG Guidelines, 2015. Collection method: clinical testing. Allele origin: germline. Observed: 7 variant alleles.
Comment: BS1, BS2, BP4, BP7

Blueprint Genetics
Classification: Likely benign. Last evaluated: 2024-10-07. Review status: criteria provided, single submitter. Criteria: ACMG Guidelines, 2015. Collection method: clinical testing. Allele origin: germline.

GeneDx
Classification: Benign. Last evaluated: 2020-10-22. Review status: criteria provided, single submitter. Criteria: GeneDx Variant Classification Process June 2021. Collection method: clinical testing. Allele origin: germline. Affected: yes.

Athena Diagnostics
Classification: Benign. Last evaluated: 2018-05-01. Review status: criteria provided, single submitter. Criteria: Athena Diagnostics Criteria. Collection method: clinical testing. Allele origin: germline.

Illumina Laboratory Services, Illumina
Classification: Benign for Cohen syndrome. Last evaluated: 2018-01-13. Review status: criteria provided, single submitter. Criteria: ICSL Variant Classification Criteria 13 December 2019. Collection method: clinical testing. Allele origin: germline.
Comment: This variant was observed in the ICSL laboratory as part of a predisposition screen in an ostensibly healthy population. It had not been previously curated by ICSL or reported in the Human Gene Mutation Database (HGMD: prior to June 1st, 2018), and was therefore a candidate for classification through an automated scoring system. Utilizing variant allele frequency, disease prevalence and penetrance estimates, and inheritance mode, an automated score was calculated to assess if this variant is too frequent to cause the disease. Based on the score and internal cut-off values, a variant classified as benign is not then subjected to further curation. The score for this variant resulted in a classification of benign for this disease.

Ambry Genetics
Classification: Benign for Inborn genetic diseases. Last evaluated: 2017-05-25. Review status: criteria provided, single submitter. Criteria: Ambry Variant Classification Scheme 2023. Collection method: clinical testing. Allele origin: germline.

Breakthrough Genomics
Classification: Benign. Review status: criteria provided, single submitter. Criteria: ACMG Guidelines, 2015. Collection method: not provided. Allele origin: germline. Inheritance: Autosomal recessive inheritance. Affected: yes.

Natera, Inc.
Classification: Likely benign for Cohen syndrome. Last evaluated: 2019-10-22. Review status: no assertion criteria provided. Collection method: clinical testing. Allele origin: germline. Not counted in ClinVar's aggregate classification.

NM_152564.5(VPS13B):c.3243A>G (p.Pro1081=)

Gene: VPS13B (vacuolar protein sorting 13 homolog B; plus strand). Cytogenetic location: 8q22.2.
Variant type: single nucleotide variant.
Coding change: c.3243A>G on transcript NM_152564.5 (MANE Select); coding-DNA position 3243, A replaced by G.
Protein change: p.Pro1081=; no amino-acid change (proline 1081 retained).
Molecular consequence: synonymous variant.
Genome position (GRCh38, 1-based): chr8:99,442,433, A>G. VCF-style: chr8-99442433-A-G. GRCh37 (hg19) VCF-style: chr8-100454661-A-G.
Other names: p.Pro1081=; c.3243A>G, p.Pro1081= (NM_017890.5).
Identifiers: ClinVar variation 361055 (VCV000361055.42), dbSNP rs34961653, ClinGen allele CA4823208.
Genomic context (GRCh38, chr8:99,442,433, plus strand): 5'-ATATTTTAATTCTGCTTTTCTTTTCTAGCTTGAAGTACAATCTTGTTGTGTGTTTATTCC[A>G]AATGATAGCCTGCCTTCCCCAAGTACAATTGTATCTGGTGACATTCCTGGAACAGTAAGA-3'
Protein context (NP_689777.3, residues 1071-1091): LEVQSCCVFI[Pro1081=]NDSLPSPSTI